The following is an entry in ClinVar:

NM_000091.5(COL4A3):c.590C>T (p.Pro197Leu)

Genes: MFF-DT (MFF divergent transcript; minus strand), COL4A3 (collagen type IV alpha 3 chain; plus strand). Cytogenetic location: 2q36.3.
Variant type: single nucleotide variant.
Coding change: c.590C>T on transcript NM_000091.5 (MANE Select); coding-DNA position 590, C replaced by T.
Protein change: p.Pro197Leu; replaces proline 197 with leucine.
Molecular consequence: missense variant.
Genome position (GRCh38, 1-based): chr2:227,251,183, C>T. VCF-style: chr2-227251183-C-T. GRCh37 (hg19) VCF-style: chr2-228115899-C-T.
Other names: short protein forms P197L.
Identifiers: ClinVar variation 4538162 (VCV004538162.1).

ClinVar aggregate classification (germline): Uncertain significance (1 of 4 stars; one submission).

Submission:

GeneDx
Classification: Uncertain significance. Last evaluated: 2025-06-12. Review status: criteria provided, single submitter. Criteria: GeneDx Variant Classification Process June 2021. Collection method: clinical testing. Allele origin: germline. Affected: yes.
Comment: Not observed at significant frequency in large population cohorts (gnomAD); In silico analysis suggests that this missense variant does not alter protein structure/function; Has not been previously published as pathogenic or benign to our knowledge; Occurs in the triple helical domain at the Y position in the canonical Gly-X-Y repeat; although this variant may have an effect on normal protein folding and function, missense substitution at the Y position is not a common mechanism of disease